The following is an entry in ClinVar:

NM_015072.5(TTLL5):c.260A>G (p.His87Arg)

Gene: TTLL5 (tubulin tyrosine ligase like 5; plus strand). Cytogenetic location: 14q24.3.
Variant type: single nucleotide variant.
Coding change: c.260A>G on transcript NM_015072.5 (MANE Select); coding-DNA position 260, A replaced by G.
Protein change: p.His87Arg; replaces histidine 87 with arginine.
Molecular consequence: missense variant.
Genome position (GRCh38, 1-based): chr14:75,681,623, A>G. VCF-style: chr14-75681623-A-G. GRCh37 (hg19) VCF-style: chr14-76147966-A-G.
Other names: c.260A>G (NM_015072.4); short protein forms H87R.
Identifiers: ClinVar variation 1461447 (VCV001461447.6), dbSNP rs1392147107, ClinGen allele CA390452239.

ClinVar aggregate classification (germline): Uncertain significance. Review status: criteria provided, multiple submitters, no conflicts (2 of 4 stars). 3 submissions from 3 submitters: Uncertain significance (3). Last evaluated 2024-03-26.

Conditions:
Inborn genetic diseases. Identifiers: MedGen C0950123, MeSH D030342.

Allele frequency attached by ClinVar (database versions not stated): gnomAD 0.00002; gnomAD exomes 0.00002; TOPMed 0.00002.
gnomAD v4.1: 68 of 1,612,846 alleles (0.0042%); highest among the groups gnomAD compares: Non-Finnish European, 0.0056%; no homozygotes.

Submissions (3):

Blueprint Genetics
Classification: Uncertain significance. Last evaluated: 2024-03-26. Review status: criteria provided, single submitter. Criteria: ACMG Guidelines, 2015. Collection method: clinical testing. Allele origin: germline.

Labcorp Genetics (formerly Invitae), Labcorp
Classification: Uncertain significance. Last evaluated: 2024-01-19. Review status: criteria provided, single submitter. Criteria: Invitae Variant Classification Sherloc (09022015). Collection method: clinical testing. Allele origin: germline.
Comment: This sequence change replaces histidine, which is basic and polar, with arginine, which is basic and polar, at codon 87 of the TTLL5 protein (p.His87Arg). This variant is present in population databases (no rsID available, gnomAD 0.004%). This variant has not been reported in the literature in individuals affected with TTLL5-related conditions. ClinVar contains an entry for this variant (Variation ID: 1461447). Advanced modeling of protein sequence and biophysical properties (such as structural, functional, and spatial information, amino acid conservation, physicochemical variation, residue mobility, and thermodynamic stability) performed at Invitae indicates that this missense variant is not expected to disrupt TTLL5 protein function with a negative predictive value of 80%. In summary, the available evidence is currently insufficient to determine the role of this variant in disease. Therefore, it has been classified as a Variant of Uncertain Significance.

Ambry Genetics
Classification: Uncertain significance for Inborn genetic diseases. Last evaluated: 2022-12-21. Review status: criteria provided, single submitter. Criteria: Ambry Variant Classification Scheme 2023. Collection method: clinical testing. Allele origin: germline.